The following is an entry in ClinVar:

ClinVar aggregate classification (germline): Conflicting classifications of pathogenicity. Review status: criteria provided, conflicting classifications (1 of 4 stars). 3 submissions from 3 submitters: Uncertain significance (1); Likely benign (1). 1 of the submissions does not count toward it. Last evaluated 2024-02-13.

Conditions:
Dystrophin deficiency.
Cardiomyopathy (CMYO). Also called: Cardiomyopathies. Identifiers: Orphanet 167848, MedGen C0878544, MONDO:0004994, HP:0001638. Inheritance: Various modes of inheritance.
Becker muscular dystrophy (BMD). Also called: Becker Muscular Dystrophy (BMD); MUSCULAR DYSTROPHY, PSEUDOHYPERTROPHIC PROGRESSIVE, BECKER TYPE. Identifiers: Orphanet 98895, MedGen C0917713, MONDO:0010311, OMIM 300376.
Duchenne muscular dystrophy (DMD). Also called: Duchenne Muscular Dystrophy (DMD); MUSCULAR DYSTROPHY, PSEUDOHYPERTROPHIC PROGRESSIVE, DUCHENNE TYPE. Identifiers: Orphanet 98896, MedGen C0013264, MONDO:0010679, OMIM 310200.

gnomAD v4.1: 2 of 1,211,179 alleles (0.00017%); highest among the groups gnomAD compares: Non-Finnish European, 0.00022%; no homozygotes.

Submissions (3):

Labcorp Genetics (formerly Invitae), Labcorp
Classification: Uncertain significance for Duchenne muscular dystrophy. Last evaluated: 2024-02-13. Review status: criteria provided, single submitter. Criteria: Invitae Variant Classification Sherloc (09022015). Collection method: clinical testing. Allele origin: germline.
Comment: This sequence change replaces leucine, which is neutral and non-polar, with valine, which is neutral and non-polar, at codon 1364 of the DMD protein (p.Leu1364Val). This variant is present in population databases (no rsID available, gnomAD 0.001%). This variant has not been reported in the literature in individuals affected with DMD-related conditions. ClinVar contains an entry for this variant (Variation ID: 514897). Advanced modeling of protein sequence and biophysical properties (such as structural, functional, and spatial information, amino acid conservation, physicochemical variation, residue mobility, and thermodynamic stability) performed at Invitae indicates that this missense variant is not expected to disrupt DMD protein function with a negative predictive value of 95%. In summary, the available evidence is currently insufficient to determine the role of this variant in disease. Therefore, it has been classified as a Variant of Uncertain Significance.

GeneDx
Classification: Likely benign. Last evaluated: 2018-02-02. Review status: criteria provided, single submitter. Criteria: GeneDx Variant Classification (06012015). Collection method: clinical testing. Allele origin: germline. Affected: yes.
Comment: This variant is considered likely benign or benign based on one or more of the following criteria: it is a conservative change, it occurs at a poorly conserved position in the protein, it is predicted to be benign by multiple in silico algorithms, and/or has population frequency not consistent with disease.

Natera, Inc.
Classification: Likely benign for Becker muscular dystrophy; Cardiomyopathy; Duchenne muscular dystrophy; Dystrophin deficiency. Last evaluated: 2020-09-21. Review status: no assertion criteria provided. Collection method: clinical testing. Allele origin: germline. Not counted in ClinVar's aggregate classification.

NM_004006.3(DMD):c.4090T>G (p.Leu1364Val)

Gene: DMD (dystrophin; minus strand). Cytogenetic location: Xp21.1.
Variant type: single nucleotide variant.
Coding change: c.4090T>G on transcript NM_004006.3 (MANE Select); coding-DNA position 4090, T replaced by G.
Protein change: p.Leu1364Val; replaces leucine 1364 with valine.
Molecular consequence: missense variant.
Genome position (GRCh38, 1-based): chrX:32,411,895, A>C on the plus strand (T>G on the coding strand, the complement: DMD is on the minus strand). VCF-style: chrX-32411895-A-C. GRCh37 (hg19) VCF-style: chrX-32430012-A-C.
Other names: c.4066T>G, p.Leu1356Val (NM_000109.4); c.4078T>G, p.Leu1360Val (NM_004009.3); c.3721T>G, p.Leu1241Val (NM_004010.3); c.67T>G, p.Leu23Val (NM_004011.4); c.58T>G, p.Leu20Val (NM_004012.4); short protein forms L1364V, L1241V, L1360V, L23V, L1356V, L20V.
Identifiers: ClinVar variation 514897 (VCV000514897.9), dbSNP rs1252905257, ClinGen allele CA412666663.